The following is an entry in ClinVar:

NM_002471.4(MYH6):c.2575G>A (p.Gly859Arg)

Gene: MYH6 (myosin heavy chain 6; minus strand). Cytogenetic location: 14q11.2.
Variant type: single nucleotide variant.
Coding change: c.2575G>A on transcript NM_002471.4 (MANE Select); coding-DNA position 2575, G replaced by A.
Protein change: p.Gly859Arg; replaces glycine 859 with arginine.
Molecular consequence: missense variant.
Genome position (GRCh38, 1-based): chr14:23,394,178, C>T on the plus strand (G>A on the coding strand, the complement: MYH6 is on the minus strand). VCF-style: chr14-23394178-C-T. GRCh37 (hg19) VCF-style: chr14-23863387-C-T.
Other names: short protein forms G859R.
Identifiers: ClinVar variation 432371 (VCV000432371.20), dbSNP rs369274077, ClinGen allele CA7115432.

ClinVar aggregate classification (germline): Conflicting classifications of pathogenicity. Review status: criteria provided, conflicting classifications (1 of 4 stars). 6 submissions from 6 submitters: Uncertain significance (4); Likely benign (2). Last evaluated 2025-03-01.

Conditions:
Cardiovascular phenotype. Identifiers: MedGen CN230736.
Cardiomyopathy (CMYO). Also called: Cardiomyopathies. Identifiers: Orphanet 167848, MedGen C0878544, MONDO:0004994, HP:0001638. Inheritance: Various modes of inheritance.
Hypertrophic cardiomyopathy 14. Identifiers: MedGen C2750467, MONDO:0013197, OMIM 613251.

Allele frequency attached by ClinVar (database versions not stated): TOPMed 0.00001; ESP Exome Variant Server 0.00008.
gnomAD v4.1: 37 of 1,614,094 alleles (0.0023%); highest among the groups gnomAD compares: Admixed American, 0.0067%; 1 homozygote.

Submissions (6):

CeGaT Center for Human Genetics Tuebingen
Classification: Likely benign. Last evaluated: 2025-03-01. Review status: criteria provided, single submitter. Criteria: CeGaT Center For Human Genetics Tuebingen Variant Classification Criteria Version 2. Collection method: clinical testing. Allele origin: germline. Affected: yes. Observed: 1 variant allele.
Comment: MYH6: BP4

Labcorp Genetics (formerly Invitae), Labcorp
Classification: Uncertain significance for Hypertrophic cardiomyopathy 14. Last evaluated: 2025-02-05. Review status: criteria provided, single submitter. Criteria: Invitae Variant Classification Sherloc (09022015). Collection method: clinical testing. Allele origin: germline.
Comment: This sequence change replaces glycine, which is neutral and non-polar, with arginine, which is basic and polar, at codon 859 of the MYH6 protein (p.Gly859Arg). This variant is present in population databases (rs369274077, gnomAD 0.009%). This variant has not been reported in the literature in individuals affected with MYH6-related conditions. ClinVar contains an entry for this variant (Variation ID: 432371). Invitae Evidence Modeling of protein sequence and biophysical properties (such as structural, functional, and spatial information, amino acid conservation, physicochemical variation, residue mobility, and thermodynamic stability) indicates that this missense variant is not expected to disrupt MYH6 protein function with a negative predictive value of 80%. In summary, the available evidence is currently insufficient to determine the role of this variant in disease. Therefore, it has been classified as a Variant of Uncertain Significance.

Blueprint Genetics
Classification: Likely benign. Last evaluated: 2024-09-24. Review status: criteria provided, single submitter. Criteria: ACMG Guidelines, 2015. Collection method: clinical testing. Allele origin: germline.

Ambry Genetics
Classification: Uncertain significance for Cardiovascular phenotype. Last evaluated: 2024-07-01. Review status: criteria provided, single submitter. Criteria: Ambry Variant Classification Scheme 2023. Collection method: clinical testing. Allele origin: germline.
Comment: The p.G859R variant (also known as c.2575G>A), located in coding exon 19 of the MYH6 gene, results from a G to A substitution at nucleotide position 2575. The glycine at codon 859 is replaced by arginine, an amino acid with dissimilar properties. This amino acid position is not well conserved in available vertebrate species. In addition, this alteration is predicted to be tolerated by in silico analysis. Since supporting evidence is limited at this time, the clinical significance of this alteration remains unclear.

GeneDx
Classification: Uncertain significance. Last evaluated: 2024-05-15. Review status: criteria provided, single submitter. Criteria: GeneDx Variant Classification Process June 2021. Collection method: clinical testing. Allele origin: germline. Affected: yes.
Comment: Has not been previously published as pathogenic or benign to our knowledge; In silico analysis indicates that this missense variant does not alter protein structure/function

CHEO Genetics Diagnostic Laboratory, Children's Hospital of Eastern Ontario
Classification: Uncertain significance for Cardiomyopathy. Last evaluated: 2020-04-28. Review status: criteria provided, single submitter. Criteria: ACMG Guidelines, 2015. Collection method: clinical testing. Allele origin: germline.